The following is an entry in ClinVar:

ClinVar aggregate classification (germline): Uncertain significance (1 of 4 stars; one submission).

Conditions:
Myopathy, lactic acidosis, and sideroblastic anemia 2 (MLASA2). Identifiers: Orphanet 2598, MedGen C3150802, MONDO:0013307, OMIM 613561.

Allele frequency attached by ClinVar (database versions not stated): gnomAD exomes below 0.00001 and 0.00001; TOPMed below 0.00001; ExAC 0.00001.
gnomAD v4.1: 17 of 1,613,130 alleles (0.0011%); highest among the groups gnomAD compares: Non-Finnish European, 0.0014%; no homozygotes.

Submission:

Molecular Genetics, Royal Melbourne Hospital
Classification: Uncertain significance for Myopathy, lactic acidosis, and sideroblastic anemia 2. Last evaluated: 2020-12-17. Review status: criteria provided, single submitter. Criteria: ACMG Guidelines, 2015. Collection method: clinical testing. Allele origin: germline.
Comment: This sequence change is predicted to replace alanine with threonine at codon 3 of the YARS2 protein (p.(Ala3Thr)). The alanine residue is highly conserved (100 vertebrates, UCSC), and is located in the mitochondrion transit peptide. There is a small physicochemical difference between alanine and threonine. The variant is absent in a large population cohort (gnomAD v2.1 and v3.1), and has not been reported in relevant medical literature or databases. Multiple lines of computational evidence have conflicting predictions for the missense substitution (3/6 algorithms predict deleterious). Based on the classification scheme RMH Modified ACMG Guidelines v1.3.1, this variant is classified as a VARIANT OF UNCERTAIN SIGNIFICANCE. Following criteria are met: PM2_Supporting.

NM_001040436.3(YARS2):c.7G>A (p.Ala3Thr)

Gene: YARS2 (tyrosyl-tRNA synthetase 2; minus strand). Cytogenetic location: 12p11.21.
Variant type: single nucleotide variant.
Coding change: c.7G>A on transcript NM_001040436.3 (MANE Select); coding-DNA position 7, G replaced by A.
Protein change: p.Ala3Thr; replaces alanine 3 with threonine.
Molecular consequence: missense variant.
Genome position (GRCh38, 1-based): chr12:32,755,868, C>T on the plus strand (G>A on the coding strand, the complement: YARS2 is on the minus strand). VCF-style: chr12-32755868-C-T. GRCh37 (hg19) VCF-style: chr12-32908802-C-T.
Other names: short protein forms A3T.
Identifiers: ClinVar variation 1678585 (VCV001678585.2), dbSNP rs772348768, ClinGen allele CA6508260.